The following is an entry in ClinVar:

ClinVar aggregate classification (germline): Likely pathogenic (1 of 4 stars; one submission).

Conditions:
GPC3-related disorder. Also called: GPC3-related condition.

Submission:

PreventionGenetics, part of Exact Sciences
Classification: Likely pathogenic for GPC3-related condition. Last evaluated: 2025-06-18. Review status: criteria provided, single submitter. Criteria: ACMG Guidelines, 2015. Collection method: clinical testing. Allele origin: germline.
Comment: The GPC3 c.1208dupG variant is predicted to result in a frameshift and premature protein termination (p.Ser403Argfs*11). To our knowledge, this variant has not been reported in the literature or in a large population database (gnomAD), indicating this variant is rare. Frameshift variants in GPC3 are expected to be pathogenic. This variant is interpreted as likely pathogenic.

NM_004484.4(GPC3):c.1208dup (p.Ser403fs)

Gene: GPC3 (glypican 3; minus strand). Cytogenetic location: Xq26.2.
Variant type: Duplication.
Coding change: c.1208dup on transcript NM_004484.4 (MANE Select); coding-DNA position 1208, one base duplicated (G; older notation c.1208dupG).
Protein change: p.Ser403fs; shifts the reading frame from serine 403.
Molecular consequence: frameshift variant.
Genome position (GRCh38, 1-based): chrX:133,692,453, C duplicated on the plus strand (G on the coding strand, the reverse complement: GPC3 is on the minus strand). VCF-style (leftmost placement, unchanged base first): chrX-133692452-A-AC. GRCh37 (hg19) VCF-style: chrX-132826480-A-AC.
Other names: c.1208dupG (NM_004484.3); c.1277dup, p.Ser426fs (NM_001164617.2); c.1160dup, p.Ser387fs (NM_001164618.2); c.1046dup, p.Ser349fs (NM_001164619.2); short protein forms S349fs, S387fs, S403fs, S426fs.
Identifiers: ClinVar variation 5000364 (VCV005000364.1).